The following is an entry in ClinVar:

ClinVar aggregate classification (germline): Pathogenic (1 of 4 stars; one submission).

Conditions:
Hereditary breast ovarian cancer syndrome. Also called: Hereditary breast and ovarian cancer; Hereditary breast and ovarian cancer syndrome; Breast and ovarian cancer; BRCA1- and BRCA2-Associated Hereditary Breast and Ovarian Cancer; Hereditary breast and ovarian cancer syndrome (HBOC); Hereditary breast and/or ovarian cancer syndrome. Identifiers: Orphanet 145, MedGen C0677776, MeSH D061325, MONDO:0003582. Disease mechanism: loss of function.

Submission:

Labcorp Genetics (formerly Invitae), Labcorp
Classification: Pathogenic for Hereditary breast ovarian cancer syndrome. Last evaluated: 2022-11-03. Review status: criteria provided, single submitter. Criteria: Invitae Variant Classification Sherloc (09022015). Collection method: clinical testing. Allele origin: germline.
Comment: For these reasons, this variant has been classified as Pathogenic. This variant has not been reported in the literature in individuals affected with BRCA2-related conditions. This variant is not present in population databases (gnomAD no frequency). This sequence change creates a premature translational stop signal (p.Asn2931Lysfs*6) in the BRCA2 gene. It is expected to result in an absent or disrupted protein product. Loss-of-function variants in BRCA2 are known to be pathogenic (PMID: 20104584).

Literature cited by the submitters: PubMed 20104584.

NM_000059.4(BRCA2):c.8793_8797del (p.Asn2931fs)

Gene: BRCA2 (BRCA2 DNA repair associated; plus strand). Cytogenetic location: 13q13.1.
Variant type: Deletion.
Coding change: c.8793_8797del on transcript NM_000059.4 (MANE Select); coding-DNA positions 8793 to 8797, 5 bases deleted (TCACA; older notation c.8793_8797delTCACA).
Protein change: p.Asn2931fs; shifts the reading frame from asparagine 2931.
Molecular consequence: frameshift variant. On other transcripts: non-coding transcript variant (1).
Genome position (GRCh38, 1-based): chr13:32,379,355-32,379,359, TCACA deleted; deleting any 5 consecutive bases within chr13:32,379,354-32,379,359 gives the same sequence; the c. name uses the placement nearest the transcript's 3' end. VCF-style (leftmost placement, unchanged base first): chr13-32379353-AATCAC-A. GRCh37 (hg19) VCF-style: chr13-32953490-AATCAC-A.
Other names: c.8697_8701del, p.Asn2899fs (NM_001406719.1); c.8793_8797del, p.Asn2931fs (NM_001406720.1); c.3861_3865del, p.Asn1287fs (NM_001406721.1); c.2376_2380del, p.Asn792fs (NM_001406722.1); short protein forms N1287fs, N2899fs, N2931fs, N792fs.
Identifiers: ClinVar variation 2811195 (VCV002811195.3), dbSNP rs2548554986, ClinGen allele CA2739277523.